The following is an entry in ClinVar:

NM_004285.4(H6PD):c.217G>C (p.Gly73Arg)

Gene: H6PD (hexose-6-phosphate dehydrogenase/glucose 1-dehydrogenase; plus strand). Cytogenetic location: 1p36.22.
Variant type: single nucleotide variant.
Coding change: c.217G>C on transcript NM_004285.4 (MANE Select); coding-DNA position 217, G replaced by C.
Protein change: p.Gly73Arg; replaces glycine 73 with arginine.
Molecular consequence: missense variant.
Genome position (GRCh38, 1-based): chr1:9,245,151, G>C. VCF-style: chr1-9245151-G-C. GRCh37 (hg19) VCF-style: chr1-9305210-G-C.
Other names: c.250G>C, p.Gly84Arg (NM_001282587.2); short protein forms G73R, G84R.
Identifiers: ClinVar variation 2017864 (VCV002017864.4), dbSNP rs906651065, ClinGen allele CA338187412.
Genomic context (GRCh38, chr1:9,245,151, plus strand): 5'-GAAGCGGGGAGGGGTCACAGTTTTAGCTTCCATGGAGCTGCTCTGACAGCCCCCAAGCAG[G>C]GTCAAGAGCTCATGGCCAAGGCCCTGGAATCCCTCTCCTGCCCCAAGGACATGGCACCCA-3'
Protein context (NP_004276.2, residues 63-83): HGAALTAPKQ[Gly73Arg]QELMAKALES

ClinVar aggregate classification (germline): Uncertain significance (1 of 4 stars; one submission).

Submission:

Labcorp Genetics (formerly Invitae), Labcorp
Classification: Uncertain significance. Last evaluated: 2024-11-11. Review status: criteria provided, single submitter. Criteria: Invitae Variant Classification Sherloc (09022015). Collection method: clinical testing. Allele origin: germline.
Comment: This sequence change replaces glycine, which is neutral and non-polar, with arginine, which is basic and polar, at codon 73 of the H6PD protein (p.Gly73Arg). This variant is not present in population databases (gnomAD no frequency). This variant has not been reported in the literature in individuals affected with H6PD-related conditions. ClinVar contains an entry for this variant (Variation ID: 2017864). Invitae Evidence Modeling of protein sequence and biophysical properties (such as structural, functional, and spatial information, amino acid conservation, physicochemical variation, residue mobility, and thermodynamic stability) has been performed for this missense variant. However, the output from this modeling did not meet the statistical confidence thresholds required to predict the impact of this variant on H6PD protein function. In summary, the available evidence is currently insufficient to determine the role of this variant in disease. Therefore, it has been classified as a Variant of Uncertain Significance.